The following is an entry in ClinVar:

NM_001363711.2(DUOX2):c.2109C>A (p.Cys703Ter)

Gene: DUOX2 (dual oxidase 2; minus strand). Cytogenetic location: 15q21.1.
Variant type: single nucleotide variant.
Coding change: c.2109C>A on transcript NM_001363711.2 (MANE Select); coding-DNA position 2109, C replaced by A.
Protein change: p.Cys703Ter; replaces cysteine 703 with a stop codon.
Molecular consequence: nonsense.
Genome position (GRCh38, 1-based): chr15:45,106,164, G>T on the plus strand (C>A on the coding strand, the complement: DUOX2 is on the minus strand). VCF-style: chr15-45106164-G-T. GRCh37 (hg19) VCF-style: chr15-45398362-G-T.
Other names: c.2109C>A, p.Cys703Ter (NM_014080.5); short protein forms C703*.
Identifiers: ClinVar variation 2847175 (VCV002847175.4), dbSNP rs767723440, ClinGen allele CA7538384.

ClinVar aggregate classification (germline): Pathogenic/Likely pathogenic. Review status: criteria provided, multiple submitters, no conflicts (2 of 4 stars). 2 submissions from 2 submitters: Pathogenic (1); Likely pathogenic (1). Last evaluated 2023-05-17.

Conditions:
DUOX2-related disorders.

Allele frequency attached by ClinVar (database versions not stated): gnomAD exomes below 0.00001; ExAC 0.00001; gnomAD 0.00001; TOPMed 0.00001.
gnomAD v4.1: 4 of 1,614,066 alleles (0.00025%); highest among the groups gnomAD compares: Non-Finnish European, 0.00034%; no homozygotes.

Submissions (2):

Labcorp Genetics (formerly Invitae), Labcorp
Classification: Pathogenic. Last evaluated: 2023-05-17. Review status: criteria provided, single submitter. Criteria: Invitae Variant Classification Sherloc (09022015). Collection method: clinical testing. Allele origin: germline.
Comment: For these reasons, this variant has been classified as Pathogenic. This variant has not been reported in the literature in individuals affected with DUOX2-related conditions. This variant is present in population databases (rs767723440, gnomAD 0.0009%). This sequence change creates a premature translational stop signal (p.Cys703*) in the DUOX2 gene. It is expected to result in an absent or disrupted protein product. Loss-of-function variants in DUOX2 are known to be pathogenic (PMID: 12110737, 18765513, 21565790, 24423310, 24735383).

Blueprint Genetics
Classification: Likely pathogenic for DUOX2-related disorders. Last evaluated: 2021-06-22. Review status: criteria provided, single submitter. Criteria: ACMG Guidelines, 2015. Collection method: clinical testing. Allele origin: germline. Affected: yes. Observed: 2 variant alleles.

Literature cited by the submitters: PubMed 12110737 (cited by Labcorp Genetics (formerly Invitae), Labcorp); PubMed 18765513 (cited by Labcorp Genetics (formerly Invitae), Labcorp); PubMed 21565790 (cited by Labcorp Genetics (formerly Invitae), Labcorp); PubMed 24423310 (cited by Labcorp Genetics (formerly Invitae), Labcorp); PubMed 24735383 (cited by Labcorp Genetics (formerly Invitae), Labcorp).